The following is an entry in ClinVar:

NM_001206927.2(DNAH8):c.3093T>G (p.Tyr1031Ter)

Gene: DNAH8 (dynein axonemal heavy chain 8; plus strand). Cytogenetic location: 6p21.2.
Variant type: single nucleotide variant.
Coding change: c.3093T>G on transcript NM_001206927.2 (MANE Select); coding-DNA position 3093, T replaced by G.
Protein change: p.Tyr1031Ter; replaces tyrosine 1031 with a stop codon.
Molecular consequence: nonsense.
Genome position (GRCh38, 1-based): chr6:38,805,539, T>G. VCF-style: chr6-38805539-T-G. GRCh37 (hg19) VCF-style: chr6-38773315-T-G.
Other names: c.2442T>G, p.Tyr814Ter (NM_001371.4); short protein forms Y814*, Y1031*.
Identifiers: ClinVar variation 2831427 (VCV002831427.3), dbSNP rs1488305206, ClinGen allele CA363995429.

ClinVar aggregate classification (germline): Pathogenic (1 of 4 stars; one submission).

Conditions:
Primary ciliary dyskinesia. Also called: Ciliary dyskinesia. Identifiers: Orphanet 244, MedGen C0008780, MONDO:0016575, HP:0012265.

Submission:

Labcorp Genetics (formerly Invitae), Labcorp
Classification: Pathogenic for Primary ciliary dyskinesia. Last evaluated: 2023-09-25. Review status: criteria provided, single submitter. Criteria: Invitae Variant Classification Sherloc (09022015). Collection method: clinical testing. Allele origin: germline.
Comment: This sequence change creates a premature translational stop signal (p.Tyr1031*) in the DNAH8 gene. It is expected to result in an absent or disrupted protein product. Loss-of-function variants in DNAH8 are known to be pathogenic (PMID: 24307375, 32619401, 32681648). This variant is not present in population databases (gnomAD no frequency). This variant has not been reported in the literature in individuals affected with DNAH8-related conditions. For these reasons, this variant has been classified as Pathogenic.

Literature cited by the submitters: PubMed 24307375; PubMed 32619401; PubMed 32681648.